The following is an entry in ClinVar:

ClinVar aggregate classification (germline): Pathogenic/Likely pathogenic. Review status: criteria provided, multiple submitters, no conflicts (2 of 4 stars). 4 submissions from 4 submitters: Pathogenic (2); Likely pathogenic (2). Last evaluated 2025-03-06.

Conditions:
Feingold syndrome type 1 (FGLDS1). Also called: MICROCEPHALY, MENTAL RETARDATION, AND TRACHEOESOPHAGEAL FISTULA SYNDROME; MICROCEPHALY-OCULO-DIGITO-ESOPHAGEAL-DUODENAL SYNDROME; OCULODIGITOESOPHAGODUODENAL SYNDROME; ODED SYNDROME; MICROCEPHALY AND DIGITAL ABNORMALITIES WITH NORMAL INTELLIGENCE. Identifiers: Orphanet 1305, Orphanet 391641, MedGen C4551774, MONDO:0008115, OMIM 164280.
MYCN-related disorder. Also called: MYCN-related condition.

Submissions (4):

Women's Health and Genetics/Laboratory Corporation of America, LabCorp
Classification: Pathogenic for Feingold syndrome type 1. Last evaluated: 2025-03-06. Review status: criteria provided, single submitter. Criteria: LabCorp Variant Classification Summary - May 2015. Collection method: clinical testing. Allele origin: germline.
Comment: Variant summary: MYCN c.134delC (p.Pro45ArgfsX86) results in a premature termination codon, predicted to cause a truncation of the encoded protein or absence of the protein due to nonsense mediated decay, which are commonly known mechanisms for disease. The frequency data for this variant in gnomAD is considered unreliable, as metrics indicate poor data quality at this position. To our knowledge, no occurrence of c.134delC in individuals affected with Feingold Syndrome Type 1 and no experimental evidence demonstrating its impact on protein function have been reported. ClinVar contains an entry for this variant (Variation ID: 2507183). Based on the evidence outlined above, the variant was classified as pathogenic.

GeneDx
Classification: Pathogenic. Last evaluated: 2023-06-29. Review status: criteria provided, single submitter. Criteria: GeneDx Variant Classification Process June 2021. Collection method: clinical testing. Allele origin: germline. Affected: yes.
Comment: Frameshift variant predicted to result in protein truncation or nonsense mediated decay in a gene for which loss of function is a known mechanism of disease; Not observed at significant frequency in large population cohorts (gnomAD); Has not been previously published as pathogenic or benign to our knowledge; This variant is associated with the following publications: (PMID: 18470948)

Blueprint Genetics
Classification: Likely pathogenic for MYCN-related disorders. Last evaluated: 2018-10-30. Review status: criteria provided, single submitter. Criteria: ACMG Guidelines, 2015. Collection method: clinical testing. Allele origin: germline. Affected: yes. Observed: 1 variant allele.

Molecular Genetics Department, Kulakov National Medical Research Center for Obstetrics, Gynecology and Perinatology
Classification: Likely pathogenic for Feingold syndrome type 1. Review status: criteria provided, single submitter. Criteria: ACMG Guidelines, 2015. Collection method: clinical testing. Allele origin: germline. Affected: yes.
Comment: A previously undescribed nucleotide variant creates a frameshift p.Pro45ArgfsTer86 in the MYCN gene. Loss-of-function variants are reported in patients with Feingold syndrome 1, 164280. The call is present in gnomAD population database at low frequency (2/248124 chromosomes, no homozygotes), however those calls do not pass quality control and cannot be assumed to be true variants. In summary, the currently available evidence indicates that the variant is pathogenic, but additional data are needed to prove that conclusively. Therefore, this variant has been classified as likely pathogenic.

NM_005378.6(MYCN):c.134del (p.Pro45fs)

Genes: MYCN (MYCN proto-oncogene, bHLH transcription factor; plus strand), MYCNOS (MYCN opposite strand; minus strand). Cytogenetic location: 2p24.3.
Variant type: Deletion.
Coding change: c.134del on transcript NM_005378.6 (MANE Select); coding-DNA position 134, one base deleted (C; older notation c.134delC).
Protein change: p.Pro45fs; shifts the reading frame from proline 45.
Molecular consequence: frameshift variant. On other transcripts: non-coding transcript variant (1), 3 prime UTR variant (1), intron variant (1).
Genome position (GRCh38, 1-based): chr2:15,942,198, C deleted; the last of 7 consecutive C bases (chr2:15,942,192-15,942,198); deleting any one gives the same sequence. VCF-style (leftmost placement, unchanged base first): chr2-15942191-AC-A. GRCh37 (hg19) VCF-style: chr2-16082313-AC-A.
Other names: c.134delC (NM_005378.6); c.134del, p.Pro45fs (NM_001293228.2); c.*69del (NM_001293233.2); c.157+1455del (NM_001293231.2); short protein forms P45fs.
Identifiers: ClinVar variation 2507183 (VCV002507183.4), dbSNP rs780080562, ClinGen allele CA425091858.